The following is an entry in ClinVar:

ClinVar aggregate classification (germline): Uncertain significance. Review status: criteria provided, multiple submitters, no conflicts (2 of 4 stars). 2 submissions from 2 submitters: Uncertain significance (2). Last evaluated 2025-12-01.

Conditions:
Familial focal epilepsy with variable foci (FPEVF). Identifiers: Orphanet 98820, MedGen C1858477, MONDO:0020310.
Inborn genetic diseases. Identifiers: MedGen C0950123, MeSH D030342.

Allele frequency attached by ClinVar (database versions not stated): TOPMed below 0.00001; ExAC 0.00001; gnomAD exomes 0.00001.
gnomAD v4.1: 9 of 1,614,170 alleles (0.00056%); highest among the groups gnomAD compares: Non-Finnish European, 0.00076%; no homozygotes.

Submissions (2):

Labcorp Genetics (formerly Invitae), Labcorp
Classification: Uncertain significance for Familial focal epilepsy with variable foci. Last evaluated: 2025-12-01. Review status: criteria provided, single submitter. Criteria: Invitae Variant Classification Sherloc (09022015). Collection method: clinical testing. Allele origin: germline.
Comment: This sequence change replaces isoleucine, which is neutral and non-polar, with valine, which is neutral and non-polar, at codon 1503 of the DEPDC5 protein (p.Ile1503Val). This variant is present in population databases (rs759374167, gnomAD 0.0009%). This variant has not been reported in the literature in individuals affected with DEPDC5-related conditions. ClinVar contains an entry for this variant (Variation ID: 2069910). Experimental studies and prediction algorithms are not available or were not evaluated, and the functional significance of this variant is currently unknown. In summary, the available evidence is currently insufficient to determine the role of this variant in disease. Therefore, it has been classified as a Variant of Uncertain Significance.

Ambry Genetics
Classification: Uncertain significance for Inborn genetic diseases. Last evaluated: 2025-02-08. Review status: criteria provided, single submitter. Criteria: Ambry Variant Classification Scheme 2023. Collection method: clinical testing. Allele origin: germline.

NM_001242896.3(DEPDC5):c.4507A>G (p.Ile1503Val)

Gene: DEPDC5 (DEP domain containing 5, GATOR1 subcomplex subunit; plus strand). Cytogenetic location: 22q12.3.
Variant type: single nucleotide variant.
Coding change: c.4507A>G on transcript NM_001242896.3 (MANE Select); coding-DNA position 4507, A replaced by G.
Protein change: p.Ile1503Val; replaces isoleucine 1503 with valine.
Molecular consequence: missense variant. On other transcripts: non-coding transcript variant (5).
Genome position (GRCh38, 1-based): chr22:31,906,054, A>G. VCF-style: chr22-31906054-A-G. GRCh37 (hg19) VCF-style: chr22-32302040-A-G.
Other names: c.4480A>G, p.Ile1494Val (NM_001136029.4); c.4207A>G, p.Ile1403Val (NM_001242897.2); c.4441A>G, p.Ile1481Val (NM_001363852.2, NM_001364320.2); c.4273A>G, p.Ile1425Val (NM_001363854.2, NM_001364319.2); c.4507A>G, p.Ile1503Val (NM_001364318.2); c.4423A>G, p.Ile1475Val (NM_001369901.1, NM_001369902.1); c.4414A>G, p.Ile1472Val (NM_001369903.1, NM_014662.6); c.4507A>G (NM_001242896.1); short protein forms I1481V, I1503V, I1472V, I1475V, I1494V, I1403V, I1425V.
Identifiers: ClinVar variation 2069910 (VCV002069910.5), dbSNP rs759374167, ClinGen allele CA10197263.